The following is an entry in ClinVar:

ClinVar aggregate classification (germline): Uncertain significance (1 of 4 stars; one submission).

Conditions:
Dyskeratosis congenita, autosomal dominant 1 (DKCA1). Also called: Dyskeratosis congenita Scoggins type. Identifiers: Orphanet 1775, MedGen C4551974, MONDO:0007485, OMIM 127550. Inheritance: Variable.

Allele frequency attached by ClinVar (database versions not stated): gnomAD exomes below 0.00001.
gnomAD v4.1: 2 of 765,364 alleles (0.00026%); highest among the groups gnomAD compares: Non-Finnish European, 0.00048%; no homozygotes.

Submission:

Labcorp Genetics (formerly Invitae), Labcorp
Classification: Uncertain significance for Dyskeratosis congenita, autosomal dominant 1. Last evaluated: 2023-07-20. Review status: criteria provided, single submitter. Criteria: Invitae Variant Classification Sherloc (09022015). Collection method: clinical testing. Allele origin: germline.
Comment: In summary, the available evidence is currently insufficient to determine the role of this variant in disease. Therefore, it has been classified as a Variant of Uncertain Significance. This variant is located in a region of TERC in which a significant number of disease causing variants have been reported (PMID: 15082312, 21844345, 21931702). These observations suggest that this may be a clinically significant region. This variant is located within the template/pseudoknot domain of the TERC RNA component, which is required for RNA or RNP stability (PMID: 15082312, 21844345). ClinVar contains an entry for this variant (Variation ID: 2059760). This variant has not been reported in the literature in individuals affected with TERC-related conditions. This variant is not present in population databases (gnomAD no frequency). This variant occurs in the TERC gene, which encodes an RNA molecule that does not result in a protein product.

Literature cited by the submitters: PubMed 15082312; PubMed 21844345; PubMed 21931702.

NC_000003.12:g.169764999T>C

Genes: TERC (telomerase RNA component; minus strand), LOC110806306 (telomerase RNA component (TERC) promoter; plus strand). Cytogenetic location: 3q26.2.
Variant type: single nucleotide variant.
Genome position: GRCh38 VCF-style: chr3-169764999-T-C. GRCh37 (hg19) VCF-style: chr3-169482787-T-C.
Identifiers: ClinVar variation 2059760 (VCV002059760.4), dbSNP rs1203113072, ClinGen allele CA436715917.